The following is an entry in ClinVar:

ClinVar aggregate classification (germline): Uncertain significance (1 of 4 stars; one submission).

Conditions:
Catecholaminergic polymorphic ventricular tachycardia 1. Also called: RYR2-Related Catecholaminergic Polymorphic Ventricular Tachycardia; VENTRICULAR TACHYCARDIA, STRESS-INDUCED POLYMORPHIC 1; VENTRICULAR TACHYCARDIA, CATECHOLAMINERGIC POLYMORPHIC, 1, WITH OR WITHOUT ATRIAL DYSFUNCTION AND/OR DILATED CARDIOMYOPATHY. Identifiers: Orphanet 3286, MedGen C1631597, MONDO:0011484, OMIM 604772.

Allele frequency attached by ClinVar (database versions not stated): gnomAD 0.00001.

Submission:

Labcorp Genetics (formerly Invitae), Labcorp
Classification: Uncertain significance for Catecholaminergic polymorphic ventricular tachycardia 1. Last evaluated: 2022-08-20. Review status: criteria provided, single submitter. Criteria: Invitae Variant Classification Sherloc (09022015). Collection method: clinical testing. Allele origin: germline.
Comment: This sequence change replaces proline, which is neutral and non-polar, with glutamine, which is neutral and polar, at codon 196 of the TRDN protein (p.Pro196Gln). The frequency data for this variant in the population databases is considered unreliable, as metrics indicate poor data quality at this position in the gnomAD database. This variant has not been reported in the literature in individuals affected with TRDN-related conditions. Algorithms developed to predict the effect of missense changes on protein structure and function output the following: SIFT: "Deleterious"; PolyPhen-2: "Not Available"; Align-GVGD: "Class C0". The glutamine amino acid residue is found in multiple mammalian species, which suggests that this missense change does not adversely affect protein function. In summary, the available evidence is currently insufficient to determine the role of this variant in disease. Therefore, it has been classified as a Variant of Uncertain Significance.

NM_006073.4(TRDN):c.587C>A (p.Pro196Gln)

Gene: TRDN (triadin; minus strand). Cytogenetic location: 6q22.31.
Variant type: single nucleotide variant.
Coding change: c.587C>A on transcript NM_006073.4 (MANE Select); coding-DNA position 587, C replaced by A.
Protein change: p.Pro196Gln; replaces proline 196 with glutamine.
Molecular consequence: missense variant.
Genome position (GRCh38, 1-based): chr6:123,512,326, G>T on the plus strand (C>A on the coding strand, the complement: TRDN is on the minus strand). VCF-style: chr6-123512326-G-T. GRCh37 (hg19) VCF-style: chr6-123833471-G-T.
Other names: c.587C>A, p.Pro196Gln (NM_001251987.2, NM_001256020.2, NM_001256021.2 and 1 more transcripts); short protein forms P196Q.
Identifiers: ClinVar variation 2065735 (VCV002065735.1), dbSNP rs1277590915, ClinGen allele CA365568063.